The following is an entry in ClinVar:

NM_020975.6(RET):c.982A>G (p.Thr328Ala)

Gene: RET (ret proto-oncogene; plus strand). Cytogenetic location: 10q11.21.
Variant type: single nucleotide variant.
Coding change: c.982A>G on transcript NM_020975.6 (MANE Select); coding-DNA position 982, A replaced by G.
Protein change: p.Thr328Ala; replaces threonine 328 with alanine.
Molecular consequence: missense variant. On other transcripts: intron variant (25).
Genome position (GRCh38, 1-based): chr10:43,106,490, A>G. VCF-style: chr10-43106490-A-G. GRCh37 (hg19) VCF-style: chr10-43601938-A-G.
Other names: c.220A>G, p.Thr74Ala (NM_001355216.2); c.982A>G, p.Thr328Ala (NM_001406743.1, NM_001406744.1, NM_001406759.1 and 4 more transcripts); c.853A>G, p.Thr285Ala (NM_001406761.1, NM_001406762.1, NM_001406764.1 and 1 more transcripts); c.694A>G, p.Thr232Ala (NM_001406766.1, NM_001406767.1, NM_001406770.1); c.867+1297A>G (NM_001406772.1, NM_001406769.1); c.626-2541A>G (NM_001406773.1, NM_001406771.1); c.625+3861A>G (NM_001406782.1, NM_001406780.1, NM_001406779.1 and 3 more transcripts); c.738+1297A>G (NM_001406774.1); and 5 more; short protein forms T232A, T285A, T328A, T74A.
Identifiers: ClinVar variation 3313735 (VCV003313735.1).

ClinVar aggregate classification (germline): Uncertain significance (1 of 4 stars; one submission).

Conditions:
Hereditary cancer-predisposing syndrome. Also called: Neoplastic Syndromes, Hereditary; Tumor predisposition; Hereditary neoplastic syndrome; Hereditary Cancer Syndrome. Identifiers: Orphanet 140162, MedGen C0027672, MeSH D009386, MONDO:0015356.

gnomAD v4.1: 1 of 1,613,680 alleles (0.000062%); highest among the groups gnomAD compares: Admixed American, 0.0017%; no homozygotes.

Submission:

Ambry Genetics
Classification: Uncertain significance for Hereditary cancer-predisposing syndrome. Last evaluated: 2024-05-16. Review status: criteria provided, single submitter. Criteria: Ambry Variant Classification Scheme 2023. Collection method: clinical testing. Allele origin: germline.
Comment: The p.T328A variant (also known as c.982A>G), located in coding exon 5 of the RET gene, results from an A to G substitution at nucleotide position 982. The threonine at codon 328 is replaced by alanine, an amino acid with similar properties. This amino acid position is conserved. In addition, this alteration is predicted to be tolerated by in silico analysis. Based on the available evidence, the clinical significance of this variant remains unclear.